The following is an entry in ClinVar:

ClinVar aggregate classification (germline): Uncertain significance. Review status: criteria provided, multiple submitters, no conflicts (2 of 4 stars). 4 submissions from 4 submitters: Uncertain significance (4). Last evaluated 2023-04-27.

Conditions:
Inborn genetic diseases. Identifiers: MedGen C0950123, MeSH D030342.
Cutis laxa with osteodystrophy (ARCL2A). Also called: Debré-Type Cutis Laxa; CUTIS LAXA WITH CONGENITAL DISORDER OF GLYCOSYLATION; CUTIS LAXA, AUTOSOMAL RECESSIVE, TYPE IIA; Autosomal recessive cutis laxa type 2A; CUTIS LAXA WITH BONE DYSTROPHY; CUTIS LAXA WITH GROWTH AND DEVELOPMENTAL DELAY. Identifiers: Orphanet 357058, MedGen C0268355, MONDO:0018163, OMIM 219200. Disease mechanism: loss of function.
ALG9 congenital disorder of glycosylation (CDG1L). Also called: ALG9-CDG; CDG Il; CONGENITAL DISORDER OF GLYCOSYLATION, TYPE Il. Identifiers: Orphanet 79328, MedGen C2931006, MONDO:0012117, OMIM 608776.

Submissions (4):

Ambry Genetics
Classification: Uncertain significance for Inborn genetic diseases. Last evaluated: 2023-04-27. Review status: criteria provided, single submitter. Criteria: Ambry Variant Classification Scheme 2023. Collection method: clinical testing. Allele origin: germline.

Labcorp Genetics (formerly Invitae), Labcorp
Classification: Uncertain significance for ALG9 congenital disorder of glycosylation. Last evaluated: 2022-10-05. Review status: criteria provided, single submitter. Criteria: Invitae Variant Classification Sherloc (09022015). Collection method: clinical testing. Allele origin: germline.
Comment: This sequence change replaces asparagine, which is neutral and polar, with serine, which is neutral and polar, at codon 477 of the ATP6V0A2 protein (p.Asn477Ser). This variant is present in population databases (rs532258057, gnomAD 0.08%). This variant has not been reported in the literature in individuals affected with ATP6V0A2-related conditions. ClinVar contains an entry for this variant (Variation ID: 883133). Advanced modeling of protein sequence and biophysical properties (such as structural, functional, and spatial information, amino acid conservation, physicochemical variation, residue mobility, and thermodynamic stability) performed at Invitae indicates that this missense variant is not expected to disrupt ATP6V0A2 protein function. In summary, the available evidence is currently insufficient to determine the role of this variant in disease. Therefore, it has been classified as a Variant of Uncertain Significance.

GeneDx
Classification: Uncertain significance. Last evaluated: 2019-12-13. Review status: criteria provided, single submitter. Criteria: GeneDx Variant Classification Process June 2021. Collection method: clinical testing. Allele origin: germline. Affected: yes.
Comment: In silico analysis, which includes protein predictors and evolutionary conservation, supports a deleterious effect; Has not been previously published as pathogenic or benign to our knowledge

Illumina Laboratory Services, Illumina
Classification: Uncertain significance for Cutis laxa with osteodystrophy. Last evaluated: 2018-01-13. Review status: criteria provided, single submitter. Criteria: ICSL Variant Classification Criteria 13 December 2019. Collection method: clinical testing. Allele origin: germline.

NM_012463.4(ATP6V0A2):c.1430A>G (p.Asn477Ser)

Gene: ATP6V0A2 (ATPase H+ transporting V0 subunit a2; plus strand). Cytogenetic location: 12q24.31.
Variant type: single nucleotide variant.
Coding change: c.1430A>G on transcript NM_012463.4 (MANE Select); coding-DNA position 1430, A replaced by G.
Protein change: p.Asn477Ser; replaces asparagine 477 with serine.
Molecular consequence: missense variant.
Genome position (GRCh38, 1-based): chr12:123,744,700, A>G. VCF-style: chr12-123744700-A-G. GRCh37 (hg19) VCF-style: chr12-124229247-A-G.
Other names: short protein forms N477S.
Identifiers: ClinVar variation 883133 (VCV000883133.9), dbSNP rs532258057, ClinGen allele CA6861924.